The following is an entry in ClinVar:

NM_030962.4(SBF2):c.2663G>T (p.Gly888Val)

Genes: SBF2 (SET binding factor 2; minus strand), LOC101928008 (uncharacterized LOC101928008; plus strand). Cytogenetic location: 11p15.4.
Variant type: single nucleotide variant.
Coding change: c.2663G>T on transcript NM_030962.4 (MANE Select); coding-DNA position 2663, G replaced by T.
Protein change: p.Gly888Val; replaces glycine 888 with valine.
Molecular consequence: missense variant.
Genome position (GRCh38, 1-based): chr11:9,850,166, C>A on the plus strand (G>T on the coding strand, the complement: SBF2 is on the minus strand). VCF-style: chr11-9850166-C-A. GRCh37 (hg19) VCF-style: chr11-9871713-C-A.
Other names: c.2663G>T, p.Gly888Val (NM_001386339.1); c.2534G>T, p.Gly845Val (NM_001386342.1); short protein forms G888V, G845V.
Identifiers: ClinVar variation 1014875 (VCV001014875.9), dbSNP rs777117399, ClinGen allele CA379635725.

ClinVar aggregate classification (germline): Uncertain significance (1 of 4 stars; one submission).

Conditions:
Charcot-Marie-Tooth disease type 4. Also called: Charcot-Marie-Tooth disease, type IV; Charcot-Marie-Tooth, Type 4. Identifiers: Orphanet 64749, MedGen C4082197, MONDO:0018995.

Submission:

Labcorp Genetics (formerly Invitae), Labcorp
Classification: Uncertain significance for Charcot-Marie-Tooth disease type 4. Last evaluated: 2020-06-02. Review status: criteria provided, single submitter. Criteria: Invitae Variant Classification Sherloc (09022015). Collection method: clinical testing. Allele origin: germline.
Comment: This variant is not present in population databases (ExAC no frequency). This variant has not been reported in the literature in individuals with SBF2-related conditions. Algorithms developed to predict the effect of missense changes on protein structure and function are either unavailable or do not agree on the potential impact of this missense change (SIFT: "Tolerated"; PolyPhen-2: "Probably Damaging"; Align-GVGD: "Class C0"). Algorithms developed to predict the effect of sequence changes on RNA splicing suggest that this variant may create or strengthen a splice site, but this prediction has not been confirmed by published transcriptional studies. In summary, the available evidence is currently insufficient to determine the role of this variant in disease. Therefore, it has been classified as a Variant of Uncertain Significance. This sequence change replaces glycine with valine at codon 888 of the SBF2 protein (p.Gly888Val). The glycine residue is moderately conserved and there is a moderate physicochemical difference between glycine and valine.